The following is an entry in ClinVar:

ClinVar aggregate classification (germline): Conflicting classifications of pathogenicity. Review status: criteria provided, conflicting classifications (1 of 4 stars). 2 submissions from 2 submitters: Likely pathogenic (1); Uncertain significance (1). Last evaluated 2021-09-21.

Conditions:
X-linked Alport syndrome (ATS1). Also called: NEPHROPATHY AND DEAFNESS, X-LINKED; COL4A5-Related Nephropathy. Identifiers: Orphanet 63, Orphanet 88917, MedGen C4746986, MONDO:0010520, OMIM 301050.

Submissions (2):

Greenwood Genetic Center Diagnostic Laboratories, Greenwood Genetic Center
Classification: Likely pathogenic for X-linked Alport syndrome. Last evaluated: 2021-09-21. Review status: criteria provided, single submitter. Criteria: ACMG Guidelines, 2015. Collection method: clinical testing. Allele origin: germline. Affected: yes.
Comment: PM5_Supporting, PP2, PS4_Supporting, PM1, PM2, PS3_Moderate

Department of Nephrology, Rheumatology and Immunology, Shanghai Children's Hospital
Classification: Uncertain significance for X-linked Alport syndrome. Last evaluated: 2019-02-06. Review status: criteria provided, single submitter. Criteria: ACMG Guidelines, 2015. Collection method: clinical testing. Allele origin: maternal. Affected: yes. Observed: 1 variant allele.
Comment: The NM_000495.5(COL4A5):c.938G>T (p.Gly313Val) is a missense variant located in a Gly-X-Y repeat of the collagenous domain. This variant is reported to have an extremely low frequency in the gnomAD v3.1.2 (GRCh38) population database (PM2). Multiple computational tools, including SIFT and PolyPhen, predict this variant to have a deleterious effect on the protein product (PP3). In summary, this variant meets criteria to be classified as Uncertain Significance for Alport syndrome based on the ACMG/AMP 2015 criteria applied: PM2, PP1, PP3, PP4.

NM_033380.3(COL4A5):c.938G>T (p.Gly313Val)

Gene: COL4A5 (collagen type IV alpha 5 chain; plus strand). Cytogenetic location: Xq22.3.
Variant type: single nucleotide variant.
Coding change: c.938G>T on transcript NM_033380.3 (MANE Select); coding-DNA position 938, G replaced by T.
Protein change: p.Gly313Val; replaces glycine 313 with valine.
Molecular consequence: missense variant.
Genome position (GRCh38, 1-based): chrX:108,582,885, G>T. VCF-style: chrX-108582885-G-T. GRCh37 (hg19) VCF-style: chrX-107826115-G-T.
Other names: c.938G>T, p.Gly313Val (NM_000495.5); short protein forms G313V.
Identifiers: ClinVar variation 1334560 (VCV001334560.5), dbSNP rs2147781020, ClinGen allele CA413927364.